The following is an entry in ClinVar:

NM_001378189.1(CFAP57):c.1855C>T (p.Arg619Cys)

Genes: CFAP57 (cilia and flagella associated protein 57; plus strand), EBNA1BP2 (EBNA1 binding protein 2; minus strand), LOC105378685 (uncharacterized LOC105378685; minus strand). Cytogenetic location: 1p34.2.
Variant type: single nucleotide variant.
Coding change: c.1855C>T on transcript NM_001378189.1 (MANE Select); coding-DNA position 1855, C replaced by T.
Protein change: p.Arg619Cys; replaces arginine 619 with cysteine.
Molecular consequence: missense variant.
Genome position (GRCh38, 1-based): chr1:43,209,842, C>T. VCF-style: chr1-43209842-C-T. GRCh37 (hg19) VCF-style: chr1-43675513-C-T.
Other names: c.1855C>T, p.Arg619Cys (NM_001167965.1, NM_001195831.3, NM_152498.3); short protein forms R619C.
Identifiers: ClinVar variation 3053832 (VCV003053832.3), dbSNP rs145112957, ClinGen allele CA804796.

ClinVar aggregate classification (germline): Likely benign. Review status: criteria provided, single submitter (1 of 4 stars). 2 submissions from 2 submitters: Likely benign (1). 1 of the submissions does not count toward it. Last evaluated 2024-10-23.

Conditions:
CFAP57-related disorder. Also called: CFAP57-related condition.

Allele frequency attached by ClinVar (database versions not stated): ExAC 0.00175; gnomAD 0.00154; 1000 Genomes Project 30x 0.00125; 1000 Genomes Project 0.00140; TOPMed 0.00158; gnomAD exomes 0.00242; ESP Exome Variant Server 0.00284.
gnomAD v4.1: 3,778 of 1,614,138 alleles (0.23%); highest among the groups gnomAD compares: Non-Finnish European, 0.28%; 5 homozygotes.

Submissions (2):

Blueprint Genetics
Classification: Likely benign. Last evaluated: 2024-10-23. Review status: criteria provided, single submitter. Criteria: ACMG Guidelines, 2015. Collection method: clinical testing. Allele origin: germline.

PreventionGenetics, part of Exact Sciences
Classification: Likely benign for CFAP57-related condition. Last evaluated: 2020-09-25. Review status: no assertion criteria provided. Collection method: clinical testing. Allele origin: germline. Not counted in ClinVar's aggregate classification.
Comment: This variant is classified as likely benign based on ACMG/AMP sequence variant interpretation guidelines (Richards et al. 2015 PMID: 25741868, with internal and published modifications).